The following is an entry in ClinVar:

NM_002334.4(LRP4):c.5309G>A (p.Arg1770Gln)

Genes: LRP4 (LDL receptor related protein 4; minus strand), LRP4-AS1 (LRP4 antisense RNA 1; plus strand). Cytogenetic location: 11p11.2.
Variant type: single nucleotide variant.
Coding change: c.5309G>A on transcript NM_002334.4 (MANE Select); coding-DNA position 5309, G replaced by A.
Protein change: p.Arg1770Gln; replaces arginine 1770 with glutamine.
Molecular consequence: missense variant.
Genome position (GRCh38, 1-based): chr11:46,862,682, C>T on the plus strand (G>A on the coding strand, the complement: LRP4 is on the minus strand). VCF-style: chr11-46862682-C-T. GRCh37 (hg19) VCF-style: chr11-46884233-C-T.
Other names: short protein forms R1770Q.
Identifiers: ClinVar variation 1373243 (VCV001373243.5), dbSNP rs150211735, ClinGen allele CA5969071.

ClinVar aggregate classification (germline): Uncertain significance. Review status: criteria provided, multiple submitters, no conflicts (2 of 4 stars). 2 submissions from 2 submitters: Uncertain significance (2). Last evaluated 2024-04-19.

Conditions:
Cenani-Lenz syndactyly syndrome. Also called: SYNDACTYLY, TYPE VII; CENANI SYNDACTYLISM. Identifiers: Orphanet 3258, MedGen C1859309, MONDO:0008931, OMIM 212780.
Sclerosteosis 2 (SOST2). Identifiers: Orphanet 3152, MedGen C3280402, MONDO:0013679, OMIM 614305.
Congenital myasthenic syndrome 17. Identifiers: Orphanet 590, MedGen C4225377, MONDO:0014578, OMIM 616304.

Allele frequency attached by ClinVar (database versions not stated): gnomAD exomes 0.00001 and 0.00003; TOPMed 0.00003; ExAC 0.00004; gnomAD 0.00005 and 0.00006; ESP Exome Variant Server 0.00023.
gnomAD v4.1: 23 of 1,613,532 alleles (0.0014%); highest among the groups gnomAD compares: Middle Eastern, 0.016%; no homozygotes.

Submissions (2):

Fulgent Genetics
Classification: Uncertain significance for Cenani-Lenz syndactyly syndrome; Sclerosteosis 2; Congenital myasthenic syndrome 17. Last evaluated: 2024-04-19. Review status: criteria provided, single submitter. Criteria: ACMG Guidelines, 2015. Collection method: clinical testing. Allele origin: germline.

Labcorp Genetics (formerly Invitae), Labcorp
Classification: Uncertain significance for Cenani-Lenz syndactyly syndrome; Sclerosteosis 2; Congenital myasthenic syndrome 17. Last evaluated: 2021-09-04. Review status: criteria provided, single submitter. Criteria: Invitae Variant Classification Sherloc (09022015). Collection method: clinical testing. Allele origin: germline.
Comment: In summary, the available evidence is currently insufficient to determine the role of this variant in disease. Therefore, it has been classified as a Variant of Uncertain Significance. Algorithms developed to predict the effect of missense changes on protein structure and function are either unavailable or do not agree on the potential impact of this missense change (SIFT: "Deleterious"; PolyPhen-2: "Benign"; Align-GVGD: "Class C0"). This variant has not been reported in the literature in individuals affected with LRP4-related conditions. This variant is present in population databases (rs150211735, ExAC 0.03%). This sequence change replaces arginine with glutamine at codon 1770 of the LRP4 protein (p.Arg1770Gln). The arginine residue is highly conserved and there is a small physicochemical difference between arginine and glutamine.